The following is an entry in ClinVar:

ClinVar aggregate classification (germline): Uncertain significance (1 of 4 stars; one submission).

Conditions:
Glycogen storage disease, type II (IOPD). Also called: Pompe Disease; CARDIOMEGALIA GLYCOGENICA DIFFUSA; GLYCOGENOSIS, GENERALIZED, CARDIAC FORM; GSD II; POMPE DISEASE, INFANTILE-ONSET; GLYCOGEN STORAGE DISEASE II, INFANTILE-ONSET. Identifiers: Orphanet 365, MedGen C0017921, MONDO:0009290, OMIM 232300.

Submission:

Genomenon, Inc
Classification: Uncertain significance for Glycogen storage disease, type II. Last evaluated: 2026-07-01. Review status: criteria provided, single submitter. Criteria: Genomenon Sequence Variant Interpretation Standards - Updated. Collection method: curation. Allele origin: germline. Affected: no.
Comment: GAA p.Pro511Thr (c.1531C>A) is a missense variant that changes the amino acid at codon 511 from Proline to Threonine. This variant has been reported in the published literature (PMID:30155607;33560568). It is absent or not present at a significant frequency in gnomAD. In silico models predict that this variant is possibly or probably damaging. In conclusion, we classify GAA p.Pro511Thr (c.1531C>A) as a variant of uncertain significance.

Literature cited by the submitters: PubMed 30155607; PubMed 33560568.

NM_000152.5(GAA):c.1531C>A (p.Pro511Thr)

Gene: GAA (alpha glucosidase; plus strand). Cytogenetic location: 17q25.3.
Variant type: single nucleotide variant.
Coding change: c.1531C>A on transcript NM_000152.5 (MANE Select); coding-DNA position 1531, C replaced by A.
Protein change: p.Pro511Thr; replaces proline 511 with threonine.
Molecular consequence: missense variant.
Genome position (GRCh38, 1-based): chr17:80,110,820, C>A. VCF-style: chr17-80110820-C-A. GRCh37 (hg19) VCF-style: chr17-78084619-C-A.
Other names: c.1531C>A, p.Pro511Thr (NM_001079803.3, NM_001079804.3, NM_001406741.1 and 1 more transcripts); short protein forms P511T.
Identifiers: ClinVar variation 4876633 (VCV004876633.1).